The following is an entry in ClinVar:

ClinVar aggregate classification (germline): Uncertain significance. Review status: criteria provided, multiple submitters, no conflicts (2 of 4 stars). 2 submissions from 2 submitters: Uncertain significance (2). Last evaluated 2026-01-01.

Conditions:
Hereditary cancer-predisposing syndrome. Also called: Hereditary Cancer Syndrome; Neoplastic Syndromes, Hereditary; Tumor predisposition; Hereditary neoplastic syndrome. Identifiers: Orphanet 140162, MedGen C0027672, MeSH D009386, MONDO:0015356.
Ataxia-telangiectasia syndrome (AT). Also called: Ataxia-telangiectasia, complementation group E; LOUIS-BAR SYNDROME; Cerebello-oculocutaneous telangiectasia; Immunodeficiency with ataxia telangiectasia; Ataxia-telangiectasia, complementation group D; AT, COMPLEMENTATION GROUP C. Identifiers: Orphanet 100, MedGen C0004135, MONDO:0008840, OMIM 208900.

gnomAD v4.1: 1 of 1,613,576 alleles (0.000062%); highest among the groups gnomAD compares: Non-Finnish European, 0.000085%; no homozygotes.

Submissions (2):

Ambry Genetics
Classification: Uncertain significance for Hereditary cancer-predisposing syndrome. Last evaluated: 2026-01-01. Review status: criteria provided, single submitter. Criteria: Ambry Variant Classification Scheme 2023. Collection method: clinical testing. Allele origin: germline.
Comment: The p.K79N variant (also known as c.237A>T), located in coding exon 3 of the ATM gene, results from an A to T substitution at nucleotide position 237. The lysine at codon 79 is replaced by asparagine, an amino acid with similar properties. This amino acid position is conserved. In addition, this alteration is predicted to be tolerated by in silico analysis. Based on the available evidence, the clinical significance of this variant remains unclear.

Labcorp Genetics (formerly Invitae), Labcorp
Classification: Uncertain significance for Ataxia-telangiectasia syndrome. Last evaluated: 2024-12-29. Review status: criteria provided, single submitter. Criteria: Invitae Variant Classification Sherloc (09022015). Collection method: clinical testing. Allele origin: germline.
Comment: This sequence change replaces lysine, which is basic and polar, with asparagine, which is neutral and polar, at codon 79 of the ATM protein (p.Lys79Asn). This variant is present in population databases (no rsID available, gnomAD 0.007%). This variant has not been reported in the literature in individuals affected with ATM-related conditions. Invitae Evidence Modeling of protein sequence and biophysical properties (such as structural, functional, and spatial information, amino acid conservation, physicochemical variation, residue mobility, and thermodynamic stability) indicates that this missense variant is not expected to disrupt ATM protein function with a negative predictive value of 95%. In summary, the available evidence is currently insufficient to determine the role of this variant in disease. Therefore, it has been classified as a Variant of Uncertain Significance.

NM_000051.4(ATM):c.237A>T (p.Lys79Asn)

Gene: ATM (ATM serine/threonine kinase; plus strand). Cytogenetic location: 11q22.3.
Variant type: single nucleotide variant.
Coding change: c.237A>T on transcript NM_000051.4 (MANE Select); coding-DNA position 237, A replaced by T.
Protein change: p.Lys79Asn; replaces lysine 79 with asparagine.
Molecular consequence: missense variant.
Genome position (GRCh38, 1-based): chr11:108,229,229, A>T. VCF-style: chr11-108229229-A-T. GRCh37 (hg19) VCF-style: chr11-108099956-A-T.
Other names: c.237A>T, p.Lys79Asn (NM_001351834.2, NM_001351835.2, NM_001351836.2); short protein forms K79N.
Identifiers: ClinVar variation 3634288 (VCV003634288.3).